The following is an entry in ClinVar:

NM_005876.5(SPEG):c.1292G>T (p.Arg431Leu)

Gene: SPEG (striated muscle enriched protein kinase; plus strand). Cytogenetic location: 2q35.
Variant type: single nucleotide variant.
Coding change: c.1292G>T on transcript NM_005876.5 (MANE Select); coding-DNA position 1292, G replaced by T.
Protein change: p.Arg431Leu; replaces arginine 431 with leucine.
Molecular consequence: missense variant.
Genome position (GRCh38, 1-based): chr2:219,448,450, G>T. VCF-style: chr2-219448450-G-T. GRCh37 (hg19) VCF-style: chr2-220313172-G-T.
Other names: short protein forms R431L.
Identifiers: ClinVar variation 1911172 (VCV001911172.5), dbSNP rs1264035776, ClinGen allele CA350718366.
Genomic context (GRCh38, chr2:219,448,450, plus strand): 5'-GGCGCAGCCTGGAGCGCAGCGACTCGCCGCCGGCGCCCCTGCGGCCCTGGGTGCCCCTGC[G>T]CAAGGCCCGCTCTCTGGAGCAGCCCAAGTCGGAGCGCGGCGCACCGTGGGGCACCCCCGG-3'
Protein context (NP_005867.3, residues 421-441): PAPLRPWVPL[Arg431Leu]KARSLEQPKS

ClinVar aggregate classification (germline): Uncertain significance (1 of 4 stars; one submission).

Allele frequency attached by ClinVar (database versions not stated): gnomAD 0.00001.

Submission:

Labcorp Genetics (formerly Invitae), Labcorp
Classification: Uncertain significance. Last evaluated: 2022-06-12. Review status: criteria provided, single submitter. Criteria: Invitae Variant Classification Sherloc (09022015). Collection method: clinical testing. Allele origin: germline.
Comment: In summary, the available evidence is currently insufficient to determine the role of this variant in disease. Therefore, it has been classified as a Variant of Uncertain Significance. Advanced modeling of protein sequence and biophysical properties (such as structural, functional, and spatial information, amino acid conservation, physicochemical variation, residue mobility, and thermodynamic stability) performed at Invitae indicates that this missense variant is expected to disrupt SPEG protein function. This variant has not been reported in the literature in individuals affected with SPEG-related conditions. This variant is not present in population databases (gnomAD no frequency). This sequence change replaces arginine, which is basic and polar, with leucine, which is neutral and non-polar, at codon 431 of the SPEG protein (p.Arg431Leu).